The following is an entry in ClinVar:

ClinVar aggregate classification (germline): Uncertain significance (1 of 4 stars; one submission).

Conditions:
Hereditary spastic paraplegia 4. Also called: Spastic Paraplegia 4; Spastic paraplegia 4, autosomal dominant; Familial spastic paraplegia autosomal dominant 2. Identifiers: Orphanet 100985, MedGen C1866855, MONDO:0008438, OMIM 182601.

Submission:

Labcorp Genetics (formerly Invitae), Labcorp
Classification: Uncertain significance for Hereditary spastic paraplegia 4. Last evaluated: 2020-03-14. Review status: criteria provided, single submitter. Criteria: Invitae Variant Classification Sherloc (09022015). Collection method: clinical testing. Allele origin: germline.
Comment: This sequence change replaces glycine with cysteine at codon 471 of the SPAST protein (p.Gly471Cys). The glycine residue is highly conserved and there is a large physicochemical difference between glycine and cysteine. This variant is not present in population databases (ExAC no frequency). This variant has been observed in individual(s) with hereditary spastic paraplegia (Invitae). Algorithms developed to predict the effect of missense changes on protein structure and function (SIFT, PolyPhen-2, Align-GVGD) all suggest that this variant is likely to be disruptive, but these predictions have not been confirmed by published functional studies and their clinical significance is uncertain. This variant disrupts the p.Gly471 amino acid residue in SPAST. Other variant(s) that disrupt this residue have been determined to be pathogenic (PMID: 17560499, 26671083). This suggests that this residue is clinically significant, and that variants that disrupt this residue are likely to be disease-causing. In summary, the available evidence is currently insufficient to determine the role of this variant in disease. Therefore, it has been classified as a Variant of Uncertain Significance.

Literature cited by the submitters: PubMed 17560499; PubMed 26671083.

NM_014946.4(SPAST):c.1411G>T (p.Gly471Cys)

Gene: SPAST (spastin; plus strand). Cytogenetic location: 2p22.3.
Variant type: single nucleotide variant.
Coding change: c.1411G>T on transcript NM_014946.4 (MANE Select); coding-DNA position 1411, G replaced by T.
Protein change: p.Gly471Cys; replaces glycine 471 with cysteine.
Molecular consequence: missense variant.
Genome position (GRCh38, 1-based): chr2:32,136,966, G>T. VCF-style: chr2-32136966-G-T. GRCh37 (hg19) VCF-style: chr2-32362035-G-T.
Other names: c.1408G>T, p.Gly470Cys (NM_001363823.2); c.1312G>T, p.Gly438Cys (NM_001363875.2); c.1315G>T, p.Gly439Cys (NM_001377959.1, NM_199436.2); short protein forms G439C, G470C, G471C, G438C.
Identifiers: ClinVar variation 856876 (VCV000856876.10), dbSNP rs1679558360, ClinGen allele CA346502363.
Genomic context (GRCh38, chr2:32,136,966, plus strand): 5'-AGAGAAGGGGAGCACGATGCTAGTAGACGCCTAAAAACTGAATTTCTAATAGAATTTGAT[G>T]GTGTAAGTGTTGATTATGATATTTTTAATGTGGCAGCATTTTAGTATATTTTCCTATTAA-3'
Protein context (NP_055761.2, residues 461-481): LKTEFLIEFD[Gly471Cys]VQSAGDDRVL